The following is an entry in ClinVar:

ClinVar aggregate classification (germline): Uncertain significance (1 of 4 stars; one submission).

Conditions:
Familial cancer of breast. Also called: hereditary breast carcinoma; Hereditary breast cancer; BREAST CANCER, FAMILIAL. Identifiers: Orphanet 227535, MedGen C0346153, MONDO:0016419, OMIM 114480. Disease mechanism: loss of function.

Submission:

Labcorp Genetics (formerly Invitae), Labcorp
Classification: Uncertain significance for Hereditary Breast Carcinoma. Last evaluated: 2019-10-29. Review status: criteria provided, single submitter. Criteria: Invitae Variant Classification Sherloc (09022015). Collection method: clinical testing. Allele origin: germline.
Comment: This sequence change replaces leucine with isoleucine at codon 1014 of the PALB2 protein (p.Leu1014Ile). The leucine residue is highly conserved and there is a small physicochemical difference between leucine and isoleucine. This variant is not present in population databases (ExAC no frequency). This variant has not been reported in the literature in individuals with PALB2-related conditions. Algorithms developed to predict the effect of missense changes on protein structure and function are either unavailable or do not agree on the potential impact of this missense change (SIFT: "Tolerated"; PolyPhen-2: "Possibly Damaging"; Align-GVGD: "Class C0"). In summary, the available evidence is currently insufficient to determine the role of this variant in disease. Therefore, it has been classified as a Variant of Uncertain Significance.

NM_024675.4(PALB2):c.3040C>A (p.Leu1014Ile)

Gene: PALB2 (partner and localizer of BRCA2; minus strand). Cytogenetic location: 16p12.2.
Variant type: single nucleotide variant.
Coding change: c.3040C>A on transcript NM_024675.4 (MANE Select); coding-DNA position 3040, C replaced by A.
Protein change: p.Leu1014Ile; replaces leucine 1014 with isoleucine.
Molecular consequence: missense variant.
Genome position (GRCh38, 1-based): chr16:23,621,435, G>T on the plus strand (C>A on the coding strand, the complement: PALB2 is on the minus strand). VCF-style: chr16-23621435-G-T. GRCh37 (hg19) VCF-style: chr16-23632756-G-T.
Other names: short protein forms L1014I.
Identifiers: ClinVar variation 968978 (VCV000968978.2), dbSNP rs1966771258, ClinGen allele CA395143052.
Genomic context (GRCh38, chr16:23,621,435, plus strand): 5'-TGTTCATAATAGTAGTACCAAGCAGAGCTTCTTGCATCCCTTGGACCTCAGCAAAAGTTA[G>T]TATAGTCTCCTCAGGGGGCATCAAAAATTGGTTTTCTTTGCCTCTGTAATTAAAACAGTA-3'
Protein context (NP_078951.2, residues 1004-1024): QFLMPPEETI[Leu1014Ile]TFAEVQGMQE